The following is an entry in ClinVar:

ClinVar aggregate classification (germline): Benign/Likely benign. Review status: criteria provided, multiple submitters, no conflicts (2 of 4 stars). 5 submissions from 5 submitters: Benign (1); Likely benign (4). Last evaluated 2026-06-01.

Conditions:
Cardiovascular phenotype. Identifiers: MedGen CN230736.
DiGeorge syndrome. Also called: Catch22; THIRD AND FOURTH PHARYNGEAL POUCH SYNDROME. Identifiers: Orphanet 567, MedGen C0012236, MONDO:0008564, OMIM 188400.

Allele frequency attached by ClinVar (database versions not stated): 1000 Genomes Project 30x 0.00047; ExAC 0.00053; gnomAD 0.00081 and 0.00082; TOPMed 0.00092; gnomAD exomes 0.00171.
gnomAD v4.1: 901 of 1,014,166 alleles (0.089%); highest among the groups gnomAD compares: Non-Finnish European, 0.098%; 3 homozygotes.

Submissions (5):

CeGaT Center for Human Genetics Tuebingen
Classification: Likely benign. Last evaluated: 2026-06-01. Review status: criteria provided, single submitter. Criteria: CeGaT Center For Human Genetics Tuebingen Variant Classification Criteria Version 2. Collection method: clinical testing. Allele origin: germline. Affected: yes. Observed: 5 variant alleles.
Comment: TBX1: BP4, BP7

Labcorp Genetics (formerly Invitae), Labcorp
Classification: Benign for DiGeorge syndrome. Last evaluated: 2026-01-26. Review status: criteria provided, single submitter. Criteria: Invitae Variant Classification Sherloc (09022015). Collection method: clinical testing. Allele origin: germline.

Blueprint Genetics
Classification: Likely benign. Last evaluated: 2024-11-08. Review status: criteria provided, single submitter. Criteria: ACMG Guidelines, 2015. Collection method: clinical testing. Allele origin: germline.

GeneDx
Classification: Likely benign. Last evaluated: 2021-05-06. Review status: criteria provided, single submitter. Criteria: GeneDx Variant Classification Process June 2021. Collection method: clinical testing. Allele origin: germline. Affected: yes.

Ambry Genetics
Classification: Likely benign for Cardiovascular phenotype. Last evaluated: 2018-07-05. Review status: criteria provided, single submitter. Criteria: Ambry Variant Classification Scheme 2023. Collection method: clinical testing. Allele origin: germline.

NM_001379200.1(TBX1):c.90G>T (p.Leu30=)

Gene: TBX1 (T-box transcription factor 1; plus strand). Cytogenetic location: 22q11.21.
Variant type: single nucleotide variant.
Coding change: c.90G>T on transcript NM_001379200.1 (MANE Select); coding-DNA position 90, G replaced by T.
Protein change: p.Leu30=; no amino-acid change (leucine 30 retained).
Molecular consequence: synonymous variant.
Genome position (GRCh38, 1-based): chr22:19,760,933, G>T. VCF-style: chr22-19760933-G-T. GRCh37 (hg19) VCF-style: chr22-19748456-G-T.
Other names: c.63G>T, p.Leu21= (NM_005992.1, NM_080646.2, NM_080647.1).
Identifiers: ClinVar variation 707121 (VCV000707121.39), dbSNP rs770754649, ClinGen allele CA10102383.
Genomic context (GRCh38, chr22:19,760,933, plus strand): 5'-CACGCAGCTCTCGCATTTCTGCGACGTTGCAGCCTTCACGGCCAGCAGCCTGAGCAGCCT[G>T]GGGGCCGCGGGGGGCTTCCCGGGCGCCGCGTCGCCCGGCGCCGACCCGTACGGCCCGCGC-3'
Protein context (NP_001366129.1, residues 20-40): AAFTASSLSS[Leu30=]GAAGGFPGAA